The following is an entry in ClinVar:

NM_001393769.1(MED12L):c.4334G>A (p.Gly1445Asp)

Genes: MED12L (mediator complex subunit 12L; plus strand), P2RY12 (purinergic receptor P2Y12; minus strand). Cytogenetic location: 3q25.1.
Variant type: single nucleotide variant.
Coding change: c.4334G>A on transcript NM_001393769.1 (MANE Select); coding-DNA position 4334, G replaced by A.
Protein change: p.Gly1445Asp; replaces glycine 1445 with aspartic acid.
Molecular consequence: missense variant. On other transcripts: intron variant (1).
Genome position (GRCh38, 1-based): chr3:151,378,029, G>A. VCF-style: chr3-151378029-G-A. GRCh37 (hg19) VCF-style: chr3-151095817-G-A.
Other names: c.4229G>A, p.Gly1410Asp (NM_053002.6); c.-180+6663C>T (NM_022788.5); short protein forms G1410D, G1445D.
Identifiers: ClinVar variation 4813255 (VCV004813255.1).
Genomic context (GRCh38, chr3:151,378,029, plus strand): 5'-GAAAGGATGCTTTCTCCGGTGTAACACCTGTTTCTGATTTTAGTTCCTCCGAACGCAGGG[G>A]TGTATGGTTGGTGGCCCCCCTCATCGCCAGGTTGCCAACTTCTGTGCAAGGAAGAGTGCT-3'
Protein context (NP_001380698.1, residues 1435-1455): KTFLSSSERR[Gly1445Asp]VWLVAPLIAR

ClinVar aggregate classification (germline): Uncertain significance (1 of 4 stars; one submission).

Submission:

GeneDx
Classification: Uncertain significance. Last evaluated: 2025-09-03. Review status: criteria provided, single submitter. Criteria: GeneDx Variant Classification Process June 2021. Collection method: clinical testing. Allele origin: germline. Affected: yes.
Comment: Not observed at significant frequency in large population cohorts (gnomAD); In silico analysis supports that this missense variant has a deleterious effect on protein structure/function; Has not been previously published as pathogenic or benign to our knowledge